The following is an entry in ClinVar:

NM_001387430.1(SH2B1):c.1024A>G (p.Asn342Asp)

Gene: SH2B1 (SH2B adaptor protein 1; plus strand). Cytogenetic location: 16p11.2.
Variant type: single nucleotide variant.
Coding change: c.1024A>G on transcript NM_001387430.1 (MANE Select); coding-DNA position 1024, A replaced by G.
Protein change: p.Asn342Asp; replaces asparagine 342 with aspartic acid.
Molecular consequence: missense variant.
Genome position (GRCh38, 1-based): chr16:28,867,415, A>G. VCF-style: chr16-28867415-A-G. GRCh37 (hg19) VCF-style: chr16-28878736-A-G.
Other names: c.1024A>G, p.Asn342Asp (NM_001145795.2, NM_001145796.2, NM_001145797.2 and 4 more transcripts); c.16A>G, p.Asn6Asp (NM_001308294.2); short protein forms N342D, N6D.
Identifiers: ClinVar variation 1309329 (VCV001309329.2), dbSNP rs2152178358, ClinGen allele CA395425572.

ClinVar aggregate classification (germline): Uncertain significance (1 of 4 stars; one submission).

Submission:

GeneDx
Classification: Uncertain significance. Last evaluated: 2019-11-01. Review status: criteria provided, single submitter. Criteria: GeneDx Variant Classification Process June 2021. Collection method: clinical testing. Allele origin: germline. Affected: yes.
Comment: Not observed in large population cohorts (Lek et al., 2016); In silico analysis, which includes protein predictors and evolutionary conservation, supports a deleterious effect; Has not been previously published as pathogenic or benign to our knowledge